The following is an entry in ClinVar:

NM_006059.4(LAMC3):c.2159-88G>A

Gene: LAMC3 (laminin subunit gamma 3; plus strand). Cytogenetic location: 9q34.12.
Variant type: single nucleotide variant.
Coding change: c.2159-88G>A on transcript NM_006059.4 (MANE Select); 88 bases into the intron before coding-DNA position 2159, G replaced by A.
Molecular consequence: intron variant.
Genome position (GRCh38, 1-based): chr9:131,060,947, G>A. VCF-style: chr9-131060947-G-A. GRCh37 (hg19) VCF-style: chr9-133936334-G-A.
Other names: NC_000009.11:g.133936334G>A.
Identifiers: ClinVar variation 682998 (VCV000682998.3), dbSNP rs11244268, ClinGen allele CA12973152.

ClinVar aggregate classification (germline): Benign. Review status: criteria provided, multiple submitters, no conflicts (2 of 4 stars). 2 submissions from 2 submitters: Benign (2). Last evaluated 2018-06-14.

Allele frequency attached by ClinVar (database versions not stated): 1000 Genomes Project 30x 0.14507; 1000 Genomes Project 0.14896; TOPMed 0.19319; gnomAD 0.19340 and 0.19447; gnomAD exomes 0.24420.
gnomAD v4.1: 329,120 of 1,378,708 alleles (24%); highest among the groups gnomAD compares: Middle Eastern, 33%; 42,613 homozygotes.

Submissions (7):

GeneDx
Classification: Benign. Last evaluated: 2018-06-14. Review status: criteria provided, single submitter. Criteria: GeneDx Variant Classification (06012015). Collection method: clinical testing. Allele origin: germline. Affected: yes.
Comment: This variant is considered likely benign or benign based on one or more of the following criteria: it is a conservative change, it occurs at a poorly conserved position in the protein, it is predicted to be benign by multiple in silico algorithms, and/or has population frequency not consistent with disease.

Breakthrough Genomics
Classification: Benign. Review status: criteria provided, single submitter. Criteria: ACMG Guidelines, 2015. Collection method: not provided. Allele origin: germline. Inheritance: Autosomal recessive inheritance. Affected: yes.

Dr. Peter K. Rogan Lab, Western University
No classification provided (evidence only). Condition: Malignant lymphoma, large B-cell, diffuse. Review status: no classification provided. Collection method: in vitro. Allele origin: not applicable. Functional consequence: retained intron. Not counted in ClinVar's aggregate classification.

Dr. Peter K. Rogan Lab, Western University
No classification provided (evidence only). Condition: Malignant lymphoma, large B-cell, diffuse. Review status: no classification provided. Collection method: in vitro. Allele origin: not applicable. Functional consequence: retained intron. Not counted in ClinVar's aggregate classification.

Dr. Peter K. Rogan Lab, Western University
No classification provided (evidence only). Condition: Cholangiocarcinoma. Review status: no classification provided. Collection method: in vitro. Allele origin: not applicable. Functional consequence: retained intron. Not counted in ClinVar's aggregate classification.

Dr. Peter K. Rogan Lab, Western University
No classification provided (evidence only). Condition: Uterine carcinosarcoma. Review status: no classification provided. Collection method: in vitro. Allele origin: not applicable. Functional consequence: retained intron. Not counted in ClinVar's aggregate classification.

Dr. Peter K. Rogan Lab, Western University
No classification provided (evidence only). Condition: Uveal melanoma. Review status: no classification provided. Collection method: in vitro. Allele origin: not applicable. Functional consequence: skipped exon. Not counted in ClinVar's aggregate classification.